The following is an entry in ClinVar:

ClinVar aggregate classification (germline): Conflicting classifications of pathogenicity. Review status: criteria provided, conflicting classifications (1 of 4 stars). 3 submissions from 3 submitters: Uncertain significance (2); Likely benign (1). Last evaluated 2025-05-01.

Conditions:
Inborn genetic diseases. Identifiers: MedGen C0950123, MeSH D030342.
Norman-Roberts syndrome (LIS2). Also called: Lissencephaly 2 (Norman-Roberts type). Identifiers: Orphanet 89844, MedGen C0796089, MONDO:0009760, OMIM 257320.
Familial temporal lobe epilepsy 7. Identifiers: Orphanet 101046, MedGen C4225327, MONDO:0014639, OMIM 616436.

Allele frequency attached by ClinVar (database versions not stated): gnomAD 0.00003; TOPMed 0.00003; ExAC 0.00004; 1000 Genomes Project 30x 0.00016; 1000 Genomes Project 0.00020.
gnomAD v4.1: 89 of 1,614,118 alleles (0.0055%); highest among the groups gnomAD compares: East Asian, 0.11%; no homozygotes.

Submissions (3):

Ambry Genetics
Classification: Uncertain significance for Inborn genetic diseases. Last evaluated: 2025-05-01. Review status: criteria provided, single submitter. Criteria: Ambry Variant Classification Scheme 2023. Collection method: clinical testing. Allele origin: germline.

Labcorp Genetics (formerly Invitae), Labcorp
Classification: Likely benign for Familial temporal lobe epilepsy 7; Norman-Roberts syndrome. Last evaluated: 2024-10-22. Review status: criteria provided, single submitter. Criteria: Invitae Variant Classification Sherloc (09022015). Collection method: clinical testing. Allele origin: germline.

GeneDx
Classification: Uncertain significance. Last evaluated: 2022-12-15. Review status: criteria provided, single submitter. Criteria: GeneDx Variant Classification Process June 2021. Collection method: clinical testing. Allele origin: germline. Affected: yes.
Comment: In silico analysis supports that this missense variant does not alter protein structure/function; Has not been previously published as pathogenic or benign to our knowledge

NM_005045.4(RELN):c.7568A>G (p.Asn2523Ser)

Gene: RELN (reelin; minus strand). Cytogenetic location: 7q22.1.
Variant type: single nucleotide variant.
Coding change: c.7568A>G on transcript NM_005045.4 (MANE Select); coding-DNA position 7568, A replaced by G.
Protein change: p.Asn2523Ser; replaces asparagine 2523 with serine.
Molecular consequence: missense variant.
Genome position (GRCh38, 1-based): chr7:103,522,122, T>C on the plus strand (A>G on the coding strand, the complement: RELN is on the minus strand). VCF-style: chr7-103522122-T-C. GRCh37 (hg19) VCF-style: chr7-103162569-T-C.
Other names: c.7568A>G (NM_005045.3); c.7568A>G, p.Asn2523Ser (NM_173054.3); short protein forms N2523S.
Identifiers: ClinVar variation 1354559 (VCV001354559.9), dbSNP rs561828305, ClinGen allele CA4420711.